The following is an entry in ClinVar:

ClinVar aggregate classification (germline): Uncertain significance. Review status: reviewed by expert panel (3 of 4 stars). 4 submissions from 4 submitters: Uncertain significance (1). 3 of the submissions do not count toward it. Last evaluated 2025-11-07.

Conditions:
Hereditary factor VIII deficiency disease (HEMA). Also called: AUTOSOMAL HEMOPHILIA A; Hemophilia A, congenital; HEM A; Factor 8 deficiency, congenital; Hemophilia A; HEMOPHILIA, CLASSIC. Identifiers: Orphanet 98878, MedGen C0019069, MONDO:0010602, OMIM 306700.
F8-related disorder. Also called: F8-related condition.

Allele frequency attached by ClinVar (database versions not stated): gnomAD exomes 0.00001 and 0.00003; ExAC 0.00002; TOPMed 0.00003.
gnomAD v4.1: 9 of 1,207,706 alleles (0.00075%); highest among the groups gnomAD compares: Admixed American, 0.0087%; no homozygotes.

Submissions (4):

ClinGen Coagulation Factor Deficiency Variant Curation Expert Panel, Clingen
Classification: Uncertain significance for Hereditary factor VIII deficiency disease. Last evaluated: 2025-11-07. Review status: reviewed by expert panel. Criteria: ClinGen CoagFactor ACMG Specifications F8 V1.0.0. Collection method: curation. Allele origin: germline. Inheritance: X-linked inheritance.
Comment: The NM_000132.4(F8):c.248C>G (p.Pro83Arg) variant is a missense variant in F8 that has been observed in multiple patients in the literature with mild hemophilia A meeting PP4_Moderate and PS4_Moderate (PMID: 29296726, PMID:18403393, PMID:18184865). This variant is predicted to have a deleterious effect with a REVEL score of 0.891, which is greater than the ClinGen CFD threshold (>0.6) meeting PP3. In summary, this variant meets criteria to be classified as a variant of uncertain significance for hemophilia A based on the ACMG/AMP criteria applied, as specified by the ClinGen Coagulation Factor Deficiency VCEP: PP3. PP4_Moderate, PS4_Moderate.

PreventionGenetics, part of Exact Sciences
Classification: Uncertain significance for F8-related condition. Last evaluated: 2025-11-21. Review status: criteria provided, single submitter. Criteria: ACMG Guidelines, 2015. Collection method: clinical testing. Allele origin: germline. Not counted in ClinVar's aggregate classification.
Comment: The F8 c.248C>G variant is predicted to result in the amino acid substitution p.Pro83Arg. This variant, referred in the legacy nomenclature as p.Pro64Arg, has been documented in two individuals with hemophilia A (HA), one proband was noted to have mild HA and a family history of the disorder (Venceslá et al. 2008. PubMed ID: 18184865) and the other was reported to have moderate to severe HA (Casaña et al. 2008. PubMed ID: 18403393). This variant is reported in 0.013% of alleles in individuals of Ashkenazi Jewish descent in gnomAD with a hemizygote noted in the European (non-Finnish) population and has conflicting classifications in ClinVar ranging from uncertain to likely pathogenic (Variation ID: 1684385). At this time, the clinical significance of this variant is uncertain due to the absence of conclusive functional and genetic evidence.

ARUP Laboratories, Molecular Genetics and Genomics, ARUP Laboratories
Classification: Likely pathogenic. Last evaluated: 2025-07-10. Review status: criteria provided, single submitter. Criteria: ARUP Molecular Germline Variant Investigation Process 2024. Collection method: clinical testing. Allele origin: germline. Not counted in ClinVar's aggregate classification.
Comment: The F8 c.248C>G; p.Pro83Arg variant (rs781974394, ClinVar Variation ID: 1684385), also known as p.Pro64Arg in traditional nomenclature, is reported in the literature in multiple individuals affected with mild hemophilia A (see F8 database, Casana 2008, Vencesla 2008). This variant is found in the general population with an overall allele frequency of 0.003% (5/183,468 alleles, including 1 hemizygote) in the Genome Aggregation Database (v2.1.1). Computational analyses predict that this variant is deleterious (REVEL: 0.917). Based on available information, this variant is considered to be likely pathogenic. References: Casana P. Severe and moderate hemophilia A: identification of 38 new genetic alterations. Haematologica. 2008 Jul;93(7):1091-4. PMID: 18403393. FVIII database: Vencesla A et al. Identification of 31 novel mutations in the F8 gene in Spanish hemophilia A patients: structural analysis of 20 missense mutations suggests new intermolecular binding sites. Blood. 2008 Apr 1;111(7):3468-78. PMID: 18184865.

ISTH-SSC Genomics in Thrombosis and Hemostasis, KU Leuven, Center for Molecular and Vascular Biology
Classification: Likely pathogenic for Hereditary factor VIII deficiency disease. Review status: no assertion criteria provided. Collection method: research. Allele origin: unknown. Affected: yes. Not counted in ClinVar's aggregate classification.
Comment: Submitted to GoldVariant by Dr Karyn Mégy from NIHR Bioresource - Cambridge University, UK

NM_000132.4(F8):c.248C>G (p.Pro83Arg)

Gene: F8 (coagulation factor VIII; minus strand). Cytogenetic location: Xq28.
Variant type: single nucleotide variant.
Coding change: c.248C>G on transcript NM_000132.4 (MANE Select); coding-DNA position 248, C replaced by G.
Protein change: p.Pro83Arg; replaces proline 83 with arginine.
Molecular consequence: missense variant.
Genome position (GRCh38, 1-based): chrX:154,999,496, G>C on the plus strand (C>G on the coding strand, the complement: F8 is on the minus strand). VCF-style: chrX-154999496-G-C. GRCh37 (hg19) VCF-style: chrX-154227771-G-C.
Other names: NM_000132.4(F8):c.248C>G; p.Pro83Arg; short protein forms P83R.
Identifiers: ClinVar variation 1684385 (VCV001684385.5), dbSNP rs781974394, ClinGen allele CA10568618.